The following is an entry in ClinVar:

ClinVar aggregate classification (germline): Uncertain significance (0 of 4 stars; one submission).

Conditions:
Prostate cancer. Also called: Malignant tumor of prostate. Identifiers: Orphanet 1331, MedGen C0376358, MONDO:0008315, HP:0012125.

Submission:

Science for Life laboratory,  Karolinska Institutet
Classification: Uncertain significance for Malignant tumor of prostate. Review status: no assertion criteria provided. Collection method: not provided. Allele origin: somatic.
Comment: TumorID:SWE-11
ClinVar note: Converted during submission from Unknown to Uncertain significance.

NM_002872.5(RAC2):c.225+1G>A

Gene: RAC2 (Rac family small GTPase 2; minus strand). Cytogenetic location: 22q13.1.
Variant type: single nucleotide variant.
Coding change: c.225+1G>A on transcript NM_002872.5 (MANE Select); the canonical splice donor site of the intron after coding-DNA position 225, G replaced by A.
Molecular consequence: splice donor variant.
Genome position (GRCh38, 1-based): chr22:37,232,800, C>T on the plus strand (G>A on the coding strand, the complement: RAC2 is on the minus strand). VCF-style: chr22-37232800-C-T. GRCh37 (hg19) VCF-style: chr22-37628840-C-T.
Identifiers: ClinVar variation 161602 (VCV000161602.2), dbSNP rs193920791, ClinGen allele CA174429.
Genomic context (GRCh38, chr22:37,232,800, plus strand): 5'-CCAAGCAGAGGGAACAGAGACAGCAAAGGTCAGGACTGCAAGGCAGGTGGGAGCAGCACA[C>T]CGTCTGTGGATAGGAGAGCGGCCGGAGACGGTCGTAGTCCTCCTGCCCAGCAGTGTCCCA-3'